The following is an entry in ClinVar:

NM_001218.5(CA12):c.355C>T (p.His119Tyr)

Gene: CA12 (carbonic anhydrase 12; minus strand). Cytogenetic location: 15q22.2.
Variant type: single nucleotide variant.
Coding change: c.355C>T on transcript NM_001218.5 (MANE Select); coding-DNA position 355, C replaced by T.
Protein change: p.His119Tyr; replaces histidine 119 with tyrosine.
Molecular consequence: missense variant. On other transcripts: non-coding transcript variant (1).
Genome position (GRCh38, 1-based): chr15:63,345,551, G>A on the plus strand (C>T on the coding strand, the complement: CA12 is on the minus strand). VCF-style: chr15-63345551-G-A. GRCh37 (hg19) VCF-style: chr15-63637750-G-A.
Other names: c.175C>T, p.His59Tyr (NM_001293642.2); c.355C>T, p.His119Tyr (NM_206925.3); short protein forms H119Y, H59Y.
Identifiers: ClinVar variation 1030305 (VCV001030305.1), dbSNP rs905385980, ClinGen allele CA272082764.

ClinVar aggregate classification (germline): Uncertain significance (1 of 4 stars; one submission).

Conditions:
Isolated hyperchlorhidrosis. Identifiers: Orphanet 542657, MedGen C1840437, MONDO:0007747, OMIM 143860.

Allele frequency attached by ClinVar (database versions not stated): gnomAD exomes below 0.00001; gnomAD 0.00001; TOPMed 0.00001.
gnomAD v4.1: 3 of 1,613,192 alleles (0.00019%); highest among the groups gnomAD compares: Non-Finnish European, 0.00025%; no homozygotes.

Submission:

Baylor Genetics
Classification: Uncertain significance for Isolated hyperchlorhidrosis. Last evaluated: 2019-06-30. Review status: criteria provided, single submitter. Criteria: ACMG Guidelines, 2015. Collection method: clinical testing. Allele origin: unknown. Affected: yes.
Comment: This variant was determined to be of uncertain significance according to ACMG Guidelines, 2015 [PMID:25741868].